The following is an entry in ClinVar:

ClinVar aggregate classification (germline): Uncertain significance. Review status: criteria provided, multiple submitters, no conflicts (2 of 4 stars). 2 submissions from 2 submitters: Uncertain significance (2). Last evaluated 2025-10-16.

Conditions:
Familial cancer of breast. Also called: BREAST CANCER, FAMILIAL; hereditary breast carcinoma; Hereditary breast cancer. Identifiers: Orphanet 227535, MedGen C0346153, MONDO:0016419, OMIM 114480. Disease mechanism: loss of function.
Fanconi anemia complementation group J. Also called: BRIP1-Related Fanconi Anemia. Identifiers: Orphanet 84, MedGen C1836860, MONDO:0012187, OMIM 609054.
Hereditary cancer-predisposing syndrome. Also called: Neoplastic Syndromes, Hereditary; Tumor predisposition; Hereditary neoplastic syndrome; Hereditary Cancer Syndrome. Identifiers: Orphanet 140162, MedGen C0027672, MeSH D009386, MONDO:0015356.

Submissions (2):

Labcorp Genetics (formerly Invitae), Labcorp
Classification: Uncertain significance for Familial cancer of breast; Fanconi anemia complementation group J. Last evaluated: 2025-10-16. Review status: criteria provided, single submitter. Criteria: Invitae Variant Classification Sherloc (09022015). Collection method: clinical testing. Allele origin: germline.
Comment: This sequence change replaces alanine, which is neutral and non-polar, with glycine, which is neutral and non-polar, at codon 1081 of the BRIP1 protein (p.Ala1081Gly). This variant is not present in population databases (gnomAD no frequency). This variant has not been reported in the literature in individuals affected with BRIP1-related conditions. ClinVar contains an entry for this variant (Variation ID: 3825683). Invitae Evidence Modeling of protein sequence and biophysical properties (such as structural, functional, and spatial information, amino acid conservation, physicochemical variation, residue mobility, and thermodynamic stability) indicates that this missense variant is not expected to disrupt BRIP1 protein function with a negative predictive value of 95%. In summary, the available evidence is currently insufficient to determine the role of this variant in disease. Therefore, it has been classified as a Variant of Uncertain Significance.

Ambry Genetics
Classification: Uncertain significance for Hereditary cancer-predisposing syndrome. Last evaluated: 2025-01-27. Review status: criteria provided, single submitter. Criteria: Ambry Variant Classification Scheme 2023. Collection method: clinical testing. Allele origin: germline.
Comment: The p.A1081G variant (also known as c.3242C>G), located in coding exon 19 of the BRIP1 gene, results from a C to G substitution at nucleotide position 3242. The alanine at codon 1081 is replaced by glycine, an amino acid with similar properties. This amino acid position is conserved. In addition, this alteration is predicted to be tolerated by in silico analysis. Based on the available evidence, the clinical significance of this variant remains unclear.

NM_032043.3(BRIP1):c.3242C>G (p.Ala1081Gly)

Gene: BRIP1 (BRCA1 interacting DNA helicase 1; minus strand). Cytogenetic location: 17q23.2.
Variant type: single nucleotide variant.
Coding change: c.3242C>G on transcript NM_032043.3 (MANE Select); coding-DNA position 3242, C replaced by G.
Protein change: p.Ala1081Gly; replaces alanine 1081 with glycine.
Molecular consequence: missense variant.
Genome position (GRCh38, 1-based): chr17:61,683,804, G>C on the plus strand (C>G on the coding strand, the complement: BRIP1 is on the minus strand). VCF-style: chr17-61683804-G-C. GRCh37 (hg19) VCF-style: chr17-59761165-G-C.
Other names: short protein forms A1081G.
Identifiers: ClinVar variation 3825683 (VCV003825683.2).